The following is an entry in ClinVar:

ClinVar aggregate classification (germline): Benign/Likely benign. Review status: criteria provided, multiple submitters, no conflicts (2 of 4 stars). 2 submissions from 2 submitters: Benign (1); Likely benign (1). Last evaluated 2026-04-22.

Conditions:
Colorectal cancer, susceptibility to, 1. Also called: COLORECTAL ADENOMA AND CANCER, SUSCEPTIBILITY TO; COLORECTAL CANCER, SUSCEPTIBILITY TO, ON CHROMOSOME 9. Identifiers: MedGen C1837315, MONDO:0012132, OMIM 608812.

Submissions (2):

Myriad Genetics, Inc.
Classification: Benign for Colorectal cancer, susceptibility to, 1. Last evaluated: 2026-04-22. Review status: criteria provided, single submitter. Criteria: Myriad Autosomal Dominant, Autosomal Recessive and X-Linked Classification Criteria (2023). Collection method: clinical testing. Allele origin: unknown.
Comment: This variant is considered benign. This variant is a silent/synonymous amino acid change and it is not expected to impact splicing.

Ambry Genetics
Classification: Likely benign. Last evaluated: 2025-07-04. Review status: criteria provided, single submitter. Criteria: Ambry Variant Classification Scheme 2023. Collection method: clinical testing. Allele origin: germline.

NM_024642.5(GALNT12):c.30C>T (p.Cys10=)

Gene: GALNT12 (polypeptide N-acetylgalactosaminyltransferase 12; plus strand). Cytogenetic location: 9q22.33.
Variant type: single nucleotide variant.
Coding change: c.30C>T on transcript NM_024642.5 (MANE Select); coding-DNA position 30, C replaced by T.
Protein change: p.Cys10=; no amino-acid change (cysteine 10 retained).
Molecular consequence: synonymous variant.
Genome position (GRCh38, 1-based): chr9:98,807,728, C>T. VCF-style: chr9-98807728-C-T. GRCh37 (hg19) VCF-style: chr9-101570010-C-T.
Identifiers: ClinVar variation 4261486 (VCV004261486.2).
Genomic context (GRCh38, chr9:98,807,728, plus strand): 5'-GCGCAGATCGCTGGCTGCAGTTGGCGGGCGCATGTGGGGGCGCACGGCGCGGCGGCGCTG[C>T]CCGCGGGAACTGCGGCGCGGCCGGGAGGCGCTGTTGGTGCTCCTGGCGCTACTGGCGTTG-3'
Protein context (NP_078918.3, residues 1-20): MWGRTARRR[Cys10=]PRELRRGREA